The following is an entry in ClinVar:

ClinVar aggregate classification (germline): Uncertain significance (1 of 4 stars; one submission).

Conditions:
Hereditary cancer-predisposing syndrome. Also called: Neoplastic Syndromes, Hereditary; Tumor predisposition; Hereditary Cancer Syndrome; Hereditary neoplastic syndrome. Identifiers: Orphanet 140162, MedGen C0027672, MeSH D009386, MONDO:0015356.

Submission:

Ambry Genetics
Classification: Uncertain significance for Hereditary cancer-predisposing syndrome. Last evaluated: 2025-09-16. Review status: criteria provided, single submitter. Criteria: Ambry Variant Classification Scheme 2023. Collection method: clinical testing. Allele origin: germline.
Comment: The p.P992A variant (also known as c.2974C>G), located in coding exon 25 of the EGFR gene, results from a C to G substitution at nucleotide position 2974. The proline at codon 992 is replaced by alanine, an amino acid with highly similar properties. This amino acid position is conserved. In addition, the in silico prediction for this alteration is inconclusive. Based on the available evidence, the clinical significance of this variant remains unclear.

NM_005228.5(EGFR):c.2974C>G (p.Pro992Ala)

Gene: EGFR (epidermal growth factor receptor; plus strand). Cytogenetic location: 7p11.2.
Variant type: single nucleotide variant.
Coding change: c.2974C>G on transcript NM_005228.5 (MANE Select); coding-DNA position 2974, C replaced by G.
Protein change: p.Pro992Ala; replaces proline 992 with alanine.
Molecular consequence: missense variant.
Genome position (GRCh38, 1-based): chr7:55,201,215, C>G. VCF-style: chr7-55201215-C-G. GRCh37 (hg19) VCF-style: chr7-55268908-C-G.
Other names: c.2839C>G, p.Pro947Ala (NM_001346897.2, NM_001346899.2); c.2974C>G, p.Pro992Ala (NM_001346898.2); c.2815C>G, p.Pro939Ala (NM_001346900.2); c.2173C>G, p.Pro725Ala (NM_001346941.2); short protein forms P725A, P939A, P947A, P992A.
Identifiers: ClinVar variation 4638318 (VCV004638318.1).